The following is an entry in ClinVar:

ClinVar aggregate classification (germline): Uncertain significance. Review status: criteria provided, multiple submitters, no conflicts (2 of 4 stars). 2 submissions from 2 submitters: Uncertain significance (2). Last evaluated 2025-12-08.

Conditions:
Myofibrillar myopathy 5. Also called: Filaminopathy (type); FILAMINOPATHY, AUTOSOMAL DOMINANT. Identifiers: Orphanet 171445, MedGen C1836050, MONDO:0012289, OMIM 609524.
Distal myopathy with posterior leg and anterior hand involvement. Also called: WILLIAMS DISTAL MYOPATHY. Identifiers: Orphanet 63273, MedGen C3279722, MONDO:0013550, OMIM 614065.
Hypertrophic cardiomyopathy 26. Also called: Cardiomyopathy, familial hypertrophic, 26. Identifiers: Orphanet 75249, MedGen C4310749, MONDO:0014883, OMIM 617047.

Allele frequency attached by ClinVar (database versions not stated): gnomAD exomes below 0.00001; TOPMed below 0.00001; ExAC 0.00001; gnomAD 0.00001.
gnomAD v4.1: 3 of 1,612,906 alleles (0.00019%); highest among the groups gnomAD compares: Admixed American, 0.0017%; no homozygotes.

Submissions (2):

Labcorp Genetics (formerly Invitae), Labcorp
Classification: Uncertain significance for Distal myopathy with posterior leg and anterior hand involvement; Myofibrillar myopathy 5; Hypertrophic cardiomyopathy 26. Last evaluated: 2025-12-08. Review status: criteria provided, single submitter. Criteria: Invitae Variant Classification Sherloc (09022015). Collection method: clinical testing. Allele origin: germline.
Comment: This sequence change replaces glycine, which is neutral and non-polar, with valine, which is neutral and non-polar, at codon 456 of the FLNC protein (p.Gly456Val). This variant is present in population databases (rs765622614, gnomAD 0.003%). This variant has not been reported in the literature in individuals affected with FLNC-related conditions. ClinVar contains an entry for this variant (Variation ID: 1525968). Invitae Evidence Modeling of protein sequence and biophysical properties (such as structural, functional, and spatial information, amino acid conservation, physicochemical variation, residue mobility, and thermodynamic stability) has been performed for this missense variant. However, the output from this modeling did not meet the statistical confidence thresholds required to predict the impact of this variant on FLNC protein function. In summary, the available evidence is currently insufficient to determine the role of this variant in disease. Therefore, it has been classified as a Variant of Uncertain Significance.

GeneDx
Classification: Uncertain significance. Last evaluated: 2022-06-16. Review status: criteria provided, single submitter. Criteria: GeneDx Variant Classification Process June 2021. Collection method: clinical testing. Allele origin: germline. Affected: yes.
Comment: Not observed at significant frequency in large population cohorts (gnomAD); In silico analysis supports that this missense variant has a deleterious effect on protein structure/function; Has not been previously published as pathogenic or benign to our knowledge

NM_001458.5(FLNC):c.1367G>T (p.Gly456Val)

Gene: FLNC (filamin C; plus strand). Cytogenetic location: 7q32.1.
Variant type: single nucleotide variant.
Coding change: c.1367G>T on transcript NM_001458.5 (MANE Select); coding-DNA position 1367, G replaced by T.
Protein change: p.Gly456Val; replaces glycine 456 with valine.
Molecular consequence: missense variant.
Genome position (GRCh38, 1-based): chr7:128,838,759, G>T. VCF-style: chr7-128838759-G-T. GRCh37 (hg19) VCF-style: chr7-128478813-G-T.
Other names: c.1367G>T, p.Gly456Val (NM_001127487.2); short protein forms G456V.
Identifiers: ClinVar variation 1525968 (VCV001525968.9), dbSNP rs765622614, ClinGen allele CA4474309.